The following is an entry in ClinVar:

ClinVar aggregate classification (germline): Uncertain significance (1 of 4 stars; one submission).

Conditions:
Kabuki syndrome. Also called: NIIKAWA-KUROKI SYNDROME; Kabuki make-up syndrome. Identifiers: Orphanet 2322, MedGen C0796004, MONDO:0016512.

Submission:

Labcorp Genetics (formerly Invitae), Labcorp
Classification: Uncertain significance for Kabuki syndrome. Last evaluated: 2024-05-23. Review status: criteria provided, single submitter. Criteria: Invitae Variant Classification Sherloc (09022015). Collection method: clinical testing. Allele origin: germline.
Comment: This sequence change replaces proline, which is neutral and non-polar, with serine, which is neutral and polar, at codon 4956 of the KMT2D protein (p.Pro4956Ser). This variant is not present in population databases (gnomAD no frequency). This variant has not been reported in the literature in individuals affected with KMT2D-related conditions. Advanced modeling of protein sequence and biophysical properties (such as structural, functional, and spatial information, amino acid conservation, physicochemical variation, residue mobility, and thermodynamic stability) performed at Invitae indicates that this missense variant is not expected to disrupt KMT2D protein function with a negative predictive value of 95%. In summary, the available evidence is currently insufficient to determine the role of this variant in disease. Therefore, it has been classified as a Variant of Uncertain Significance.

NM_003482.4(KMT2D):c.14866C>T (p.Pro4956Ser)

Gene: KMT2D (lysine methyltransferase 2D; minus strand). Cytogenetic location: 12q13.12.
Variant type: single nucleotide variant.
Coding change: c.14866C>T on transcript NM_003482.4 (MANE Select); coding-DNA position 14866, C replaced by T.
Protein change: p.Pro4956Ser; replaces proline 4956 with serine.
Molecular consequence: missense variant.
Genome position (GRCh38, 1-based): chr12:49,027,100, G>A on the plus strand (C>T on the coding strand, the complement: KMT2D is on the minus strand). VCF-style: chr12-49027100-G-A. GRCh37 (hg19) VCF-style: chr12-49420883-G-A.
Other names: short protein forms P4956S.
Identifiers: ClinVar variation 3635089 (VCV003635089.2).
Genomic context (GRCh38, chr12:49,027,100, plus strand): 5'-GACGGGAATCTTCACCTTCTTCAGGGGGCCGGGCACGGGGCTTGGGTCGGGCTGATTCAG[G>A]GGATGAGGCCAGTGGCAGAGGTGAGGGGACGGGTGGCTCAGCCAAGGGTTCGGTGGGAAG-3'
Protein context (NP_003473.3, residues 4946-4966): VPSPLPLASS[Pro4956Ser]ESARPKPRAR